The following is an entry in ClinVar:

ClinVar aggregate classification (germline): Uncertain significance (1 of 4 stars; one submission).

Conditions:
Kabuki syndrome. Also called: Kabuki make-up syndrome; NIIKAWA-KUROKI SYNDROME. Identifiers: Orphanet 2322, MedGen C0796004, MONDO:0016512.

Submission:

Labcorp Genetics (formerly Invitae), Labcorp
Classification: Uncertain significance for Kabuki syndrome. Last evaluated: 2025-09-03. Review status: criteria provided, single submitter. Criteria: Invitae Variant Classification Sherloc (09022015). Collection method: clinical testing. Allele origin: germline.
Comment: This variant, c.1746_1772dup, results in the insertion of 9 amino acid(s) of the KMT2D protein (p.Glu587_Glu595dup), but otherwise preserves the integrity of the reading frame. This variant is not present in population databases (gnomAD no frequency). This variant has not been reported in the literature in individuals affected with KMT2D-related conditions. ClinVar contains an entry for this variant (Variation ID: 2696468). In summary, the available evidence is currently insufficient to determine the role of this variant in disease. Therefore, it has been classified as a Variant of Uncertain Significance.

NM_003482.4(KMT2D):c.1746_1772dup (p.Glu595_Ala596insGluSerProMetSerProProProGlu)

Gene: KMT2D (lysine methyltransferase 2D; minus strand). Cytogenetic location: 12q13.12.
Variant type: Duplication.
Coding change: c.1746_1772dup on transcript NM_003482.4 (MANE Select); coding-DNA positions 1746 to 1772, 27 bases duplicated (CCCTCCACCTGAAGAGTCACCCATGTC).
Protein change: p.Glu595_Ala596insGluSerProMetSerProProProGlu.
Molecular consequence: inframe insertion.
Genome position (GRCh38, 1-based): chr12:49,051,911-49,051,937, GACATGGGTGACTCTTCAGGTGGAGGG duplicated on the plus strand (CCCTCCACCTGAAGAGTCACCCATGTC on the coding strand, the reverse complement: KMT2D is on the minus strand); duplicating any 27 consecutive bases within chr12:49,051,911-49,051,951 gives the same sequence; the c. name uses the placement nearest the transcript's 3' end. VCF-style (leftmost placement, unchanged base first): chr12-49051910-A-AGACATGGGTGACTCTTCAGGTGGAGGG. GRCh37 (hg19) VCF-style: chr12-49445693-A-AGACATGGGTGACTCTTCAGGTGGAGGG.
Identifiers: ClinVar variation 2696468 (VCV002696468.3), dbSNP rs2498457825, ClinGen allele CA2697559276.